The following is an entry in ClinVar:

NM_001378418.1(TCF20):c.4214T>G (p.Ile1405Arg)

Gene: TCF20 (transcription factor 20; minus strand). Cytogenetic location: 22q13.2.
Variant type: single nucleotide variant.
Coding change: c.4214T>G on transcript NM_001378418.1 (MANE Select); coding-DNA position 4214, T replaced by G.
Protein change: p.Ile1405Arg; replaces isoleucine 1405 with arginine.
Molecular consequence: missense variant.
Genome position (GRCh38, 1-based): chr22:42,211,092, A>C on the plus strand (T>G on the coding strand, the complement: TCF20 is on the minus strand). VCF-style: chr22-42211092-A-C. GRCh37 (hg19) VCF-style: chr22-42607098-A-C.
Other names: c.4214T>G, p.Ile1405Arg (NM_005650.4, NM_181492.3); short protein forms I1405R.
Identifiers: ClinVar variation 2716641 (VCV002716641.3), dbSNP rs965178022, ClinGen allele CA324698506.
Genomic context (GRCh38, chr22:42,211,092, plus strand): 5'-TGCAACTCCTGGTTTGCTGGACTGACTAGGTCCGAAGCCACCTCACCTTTTCTCTTCTCT[A>C]TGTCAGCATCCTGAACAGCAACACTCCCACCTTCAGGAGGACCACTCTTCAAAGACAGTA-3'
Protein context (NP_001365347.1, residues 1395-1415): GGSVAVQDAD[Ile1405Arg]EKRKGEVASD

ClinVar aggregate classification (germline): Uncertain significance (1 of 4 stars; one submission).

Allele frequency attached by ClinVar (database versions not stated): TOPMed 0.00002.
gnomAD v4.1: 14 of 1,613,910 alleles (0.00087%); highest among the groups gnomAD compares: East Asian, 0.011%; no homozygotes.

Submission:

Labcorp Genetics (formerly Invitae), Labcorp
Classification: Uncertain significance. Last evaluated: 2025-07-14. Review status: criteria provided, single submitter. Criteria: Invitae Variant Classification Sherloc (09022015). Collection method: clinical testing. Allele origin: germline.
Comment: This sequence change replaces isoleucine, which is neutral and non-polar, with arginine, which is basic and polar, at codon 1405 of the TCF20 protein (p.Ile1405Arg). This variant is present in population databases (no rsID available, gnomAD 0.002%). This variant has not been reported in the literature in individuals affected with TCF20-related conditions. ClinVar contains an entry for this variant (Variation ID: 2716641). An algorithm developed to predict the effect of missense changes on protein structure and function (PolyPhen-2) suggests that this variant is likely to be tolerated. In summary, the available evidence is currently insufficient to determine the role of this variant in disease. Therefore, it has been classified as a Variant of Uncertain Significance.